The following is an entry in ClinVar:

NM_001242896.3(DEPDC5):c.194-1G>C

Gene: DEPDC5 (DEP domain containing 5, GATOR1 subcomplex subunit; plus strand). Cytogenetic location: 22q12.2.
Variant type: single nucleotide variant.
Coding change: c.194-1G>C on transcript NM_001242896.3 (MANE Select); the canonical splice acceptor site of the intron before coding-DNA position 194, G replaced by C.
Molecular consequence: splice acceptor variant.
Genome position (GRCh38, 1-based): chr22:31,764,974, G>C. VCF-style: chr22-31764974-G-C. GRCh37 (hg19) VCF-style: chr22-32160960-G-C.
Other names: c.194-1G>C (NM_001364318.2, NM_001136029.4, NM_014662.6 and 9 more transcripts).
Identifiers: ClinVar variation 1066886 (VCV001066886.7), dbSNP rs2148102743, ClinGen allele CA411281075.

ClinVar aggregate classification (germline): Likely pathogenic (1 of 4 stars; one submission).

Conditions:
Familial focal epilepsy with variable foci (FPEVF). Identifiers: Orphanet 98820, MedGen C1858477, MONDO:0020310.

Submission:

Labcorp Genetics (formerly Invitae), Labcorp
Classification: Likely pathogenic for Familial focal epilepsy with variable foci. Last evaluated: 2024-10-30. Review status: criteria provided, single submitter. Criteria: Invitae Variant Classification Sherloc (09022015). Collection method: clinical testing. Allele origin: germline.
Comment: This sequence change affects an acceptor splice site in intron 4 of the DEPDC5 gene. It is expected to disrupt RNA splicing. Variants that disrupt the donor or acceptor splice site typically lead to a loss of protein function (PMID: 16199547), and loss-of-function variants in DEPDC5 are known to be pathogenic (PMID: 23542697, 23542701). This variant is not present in population databases (gnomAD no frequency). This variant has not been reported in the literature in individuals affected with DEPDC5-related conditions. ClinVar contains an entry for this variant (Variation ID: 1066886). Algorithms developed to predict the effect of sequence changes on RNA splicing suggest that this variant may disrupt the consensus splice site. In summary, the currently available evidence indicates that the variant is pathogenic, but additional data are needed to prove that conclusively. Therefore, this variant has been classified as Likely Pathogenic.

Literature cited by the submitters: PubMed 16199547; PubMed 23542697; PubMed 23542701.